The following is an entry in ClinVar:

NM_005902.4(SMAD3):c.607+7C>T

Gene: SMAD3 (SMAD family member 3; plus strand). Cytogenetic location: 15q22.33.
Variant type: single nucleotide variant.
Coding change: c.607+7C>T on transcript NM_005902.4 (MANE Select); 7 bases into the intron after coding-DNA position 607, C replaced by T.
Molecular consequence: intron variant.
Genome position (GRCh38, 1-based): chr15:67,166,860, C>T. VCF-style: chr15-67166860-C-T. GRCh37 (hg19) VCF-style: chr15-67459198-C-T.
Other names: c.292+7C>T (NM_001145102.2); c.475+7C>T (NM_001145103.2); c.22+7C>T (NM_001145104.2).
Identifiers: ClinVar variation 381986 (VCV000381986.14), dbSNP rs200998367, ClinGen allele CA062414.

ClinVar aggregate classification (germline): Likely benign. Review status: criteria provided, multiple submitters, no conflicts (2 of 4 stars). 3 submissions from 3 submitters: Likely benign (2). 1 of the submissions does not count toward it. Last evaluated 2025-12-21.

Conditions:
SMAD3-related disorder. Also called: SMAD3-related condition.
Familial thoracic aortic aneurysm and aortic dissection (TAAD). Also called: Thoracic aortic aneurysms and dissections. Identifiers: Orphanet 91387, MedGen C4707243, MONDO:0019625.

Allele frequency attached by ClinVar (database versions not stated): gnomAD exomes 0.00003; ExAC 0.00005; gnomAD 0.00033 and 0.00036; 1000 Genomes Project 0.00060; 1000 Genomes Project 30x 0.00062; TOPMed 0.00077.
gnomAD v4.1: 102 of 1,574,616 alleles (0.0065%); highest among the groups gnomAD compares: Admixed American, 0.12%; 1 homozygote.

Submissions (3):

Labcorp Genetics (formerly Invitae), Labcorp
Classification: Likely benign for Familial thoracic aortic aneurysm and aortic dissection. Last evaluated: 2025-12-21. Review status: criteria provided, single submitter. Criteria: Invitae Variant Classification Sherloc (09022015). Collection method: clinical testing. Allele origin: germline.

GeneDx
Classification: Likely benign. Last evaluated: 2018-02-14. Review status: criteria provided, single submitter. Criteria: GeneDx Variant Classification (06012015). Collection method: clinical testing. Allele origin: germline. Affected: yes.
Comment: This variant is considered likely benign or benign based on one or more of the following criteria: it is a conservative change, it occurs at a poorly conserved position in the protein, it is predicted to be benign by multiple in silico algorithms, and/or has population frequency not consistent with disease.

PreventionGenetics, part of Exact Sciences
Classification: Likely benign for SMAD3-related condition. Last evaluated: 2021-12-07. Review status: no assertion criteria provided. Collection method: clinical testing. Allele origin: germline. Not counted in ClinVar's aggregate classification.
Comment: This variant is classified as likely benign based on ACMG/AMP sequence variant interpretation guidelines (Richards et al. 2015 PMID: 25741868, with internal and published modifications).